The following is an entry in ClinVar:

ClinVar aggregate classification (germline): Uncertain significance (1 of 4 stars; one submission).

Submission:

Labcorp Genetics (formerly Invitae), Labcorp
Classification: Uncertain significance. Last evaluated: 2022-09-10. Review status: criteria provided, single submitter. Criteria: Invitae Variant Classification Sherloc (09022015). Collection method: clinical testing. Allele origin: germline.
Comment: In summary, the available evidence is currently insufficient to determine the role of this variant in disease. Therefore, it has been classified as a Variant of Uncertain Significance. Experimental studies and prediction algorithms are not available or were not evaluated, and the functional significance of this variant is currently unknown. This variant has not been reported in the literature in individuals affected with ELOVL4-related conditions. This variant is not present in population databases (gnomAD no frequency). This sequence change results in a frameshift in the ELOVL4 gene (p.Asn302Lysfs*79). While this is not anticipated to result in nonsense mediated decay, it is expected to disrupt the last 13 amino acid(s) of the ELOVL4 protein and extend the protein by 65 additional amino acid residues.

NM_022726.4(ELOVL4):c.906del (p.Asn302fs)

Gene: ELOVL4 (ELOVL fatty acid elongase 4; minus strand). Cytogenetic location: 6q14.1.
Variant type: Deletion.
Coding change: c.906del on transcript NM_022726.4 (MANE Select); coding-DNA position 906, one base deleted (T; older notation c.906delT).
Protein change: p.Asn302fs; shifts the reading frame from asparagine 302.
Molecular consequence: frameshift variant.
Genome position (GRCh38, 1-based): chr6:79,916,647, A deleted on the plus strand (T on the coding strand, the reverse complement: ELOVL4 is on the minus strand). VCF-style (leftmost placement, unchanged base first): chr6-79916646-CA-C. GRCh37 (hg19) VCF-style: chr6-80626363-CA-C.
Other names: short protein forms N302fs.
Identifiers: ClinVar variation 2019286 (VCV002019286.4), dbSNP rs2532967465, ClinGen allele CA2580075889.